The following is an entry in ClinVar:

ClinVar aggregate classification (germline): Conflicting classifications of pathogenicity. Review status: criteria provided, conflicting classifications (1 of 4 stars). 4 submissions from 4 submitters: Uncertain significance (2); Likely benign (1). 1 of the submissions does not count toward it. Last evaluated 2024-12-19.

Conditions:
Hereditary cancer-predisposing syndrome. Also called: Neoplastic Syndromes, Hereditary; Tumor predisposition; Hereditary Cancer Syndrome; Hereditary neoplastic syndrome. Identifiers: Orphanet 140162, MedGen C0027672, MeSH D009386, MONDO:0015356.
Hereditary breast ovarian cancer syndrome. Also called: Hereditary breast and ovarian cancer; Breast and ovarian cancer; Hereditary breast and ovarian cancer syndrome (HBOC); BRCA1- and BRCA2-Associated Hereditary Breast and Ovarian Cancer; Hereditary breast and ovarian cancer syndrome; Hereditary breast and/or ovarian cancer syndrome. Identifiers: Orphanet 145, MedGen C0677776, MeSH D061325, MONDO:0003582. Disease mechanism: loss of function.
Breast-ovarian cancer, familial, susceptibility to, 2 (BROVCA2). Also called: BRCA2 Hereditary Breast and Ovarian Cancer. Identifiers: Orphanet 145, MedGen C2675520, MONDO:0012933, OMIM 612555. Disease mechanism: loss of function.

Allele frequency attached by ClinVar (database versions not stated): gnomAD exomes 0.00001.

Submissions (4):

Ambry Genetics
Classification: Uncertain significance for Hereditary cancer-predisposing syndrome. Last evaluated: 2024-12-19. Review status: criteria provided, single submitter. Criteria: Ambry Variant Classification Scheme 2023. Collection method: clinical testing. Allele origin: germline.
Comment: The c.10184delA variant, located in coding exon 26 of the BRCA2 gene, results from a deletion of one nucleotide at nucleotide position 10184, causing a translational frameshift with a predicted alternate stop codon (p.E3395Gfs*32). This variant was reported in two individuals from a control cohort tested by whole-exome sequencing (Shahi RB et al. BMC Cancer, 2019 Apr;19:313). This variant was found to be functionally sufficient in a Brca2-null mouse embryonic stem cell complementation assay, a homology-directed repair assay, and a cisplatin sensitivity assay (Mesman RLS et al. Genet Med, 2019 Feb;21:293-302). This alteration occurs at the 3' terminus of the BRCA2 gene, is not expected to trigger nonsense-mediated mRNA decay, and results in the elongation of the protein by 7 amino acids. This frameshift impacts the last 24 amino acids of the native protein. The exact functional effect of the altered amino acids is unknown. Based on the available evidence, the clinical significance of this variant remains unclear.

Labcorp Genetics (formerly Invitae), Labcorp
Classification: Likely benign for Hereditary breast ovarian cancer syndrome. Last evaluated: 2019-06-25. Review status: criteria provided, single submitter. Criteria: Invitae Variant Classification Sherloc (09022015). Collection method: clinical testing. Allele origin: germline.

Clinical Genetics DNA and cytogenetics Diagnostics Lab, Erasmus MC, Erasmus Medical Center
Classification: Uncertain significance for Breast-ovarian cancer, familial, susceptibility to, 2. Last evaluated: 2015-09-21. Review status: criteria provided, single submitter. Criteria: ACGS Guidelines, 2013. Collection method: clinical testing. Allele origin: germline. Affected: yes. Study: VKGL Data-share Consensus.

Diagnostic Laboratory, Department of Genetics, University Medical Center Groningen
Classification: Uncertain significance for Breast-ovarian cancer, familial, susceptibility to, 2. Review status: no assertion criteria provided. Collection method: clinical testing. Allele origin: germline. Affected: yes. Study: VKGL Data-share Consensus. Not counted in ClinVar's aggregate classification.

Literature cited by the submitters: PubMed 29988080 (cited by Ambry Genetics); PubMed 30947698 (cited by Ambry Genetics).

NM_000059.4(BRCA2):c.10184del (p.Glu3395fs)

Gene: BRCA2 (BRCA2 DNA repair associated; plus strand). Cytogenetic location: 13q13.1.
Variant type: Deletion.
Coding change: c.10184del on transcript NM_000059.4 (MANE Select); coding-DNA position 10184, one base deleted (A; older notation c.10184delA).
Protein change: p.Glu3395fs; shifts the reading frame from glutamic acid 3395.
Molecular consequence: frameshift variant.
Genome position (GRCh38, 1-based): chr13:32,398,697, A deleted. VCF-style (leftmost placement, unchanged base first): chr13-32398696-GA-G. GRCh37 (hg19) VCF-style: chr13-32972833-GA-G.
Other names: c.10184delA (NM_000059.3); short protein forms E3395fs.
Identifiers: ClinVar variation 518257 (VCV000518257.12), dbSNP rs1466234699, ClinGen allele CA658798110.